The following is an entry in ClinVar:

ClinVar aggregate classification (germline): Pathogenic. Review status: reviewed by expert panel (3 of 4 stars). 3 submissions from 3 submitters: Pathogenic (1). 2 of the submissions do not count toward it. Last evaluated 2017-12-15.

Conditions:
Hereditary breast ovarian cancer syndrome. Also called: Hereditary breast and ovarian cancer syndrome; Hereditary breast and/or ovarian cancer syndrome; BRCA1- and BRCA2-Associated Hereditary Breast and Ovarian Cancer; Hereditary breast and ovarian cancer syndrome (HBOC); Hereditary breast and ovarian cancer; Breast and ovarian cancer. Identifiers: Orphanet 145, MedGen C0677776, MeSH D061325, MONDO:0003582. Disease mechanism: loss of function.
Breast-ovarian cancer, familial, susceptibility to, 2 (BROVCA2). Also called: BRCA2 Hereditary Breast and Ovarian Cancer. Identifiers: Orphanet 145, MedGen C2675520, MONDO:0012933, OMIM 612555. Disease mechanism: loss of function.

Submissions (3):

Evidence-based Network for the Interpretation of Germline Mutant Alleles (ENIGMA)
Classification: Pathogenic for Breast-ovarian cancer, familial, susceptibility to, 2. Last evaluated: 2017-12-15. Review status: reviewed by expert panel. Criteria: ENIGMA BRCA1/2 Classification Criteria (2017-06-29). Collection method: curation. Allele origin: germline. Study: ENIGMA.
Comment: Variant allele predicted to encode a truncated non-functional protein.

GeneDx
Classification: Pathogenic. Last evaluated: 2016-11-30. Review status: criteria provided, single submitter. Criteria: GeneDx Variant Classification (06012015). Collection method: clinical testing. Allele origin: germline. Affected: yes. Not counted in ClinVar's aggregate classification.
Comment: This combined deletion and insertion is denoted BRCA2 c.3478_3481delAGAGinsTGAGGA at the cDNA level and p.Arg1160Ter (R1160X) at the protein level. Using alternate nomenclature, this variant would be defined as BRCA2 3706_3709delAGAGinsTGAGGA. The surrounding sequence is ATGC[delAGAG][insTGAGGA]ATGC. The deletion/insertion creates a nonsense variant, which changes an Arginine to a premature stop codon. Although this variant has not, to our knowledge, been reported in the literature, it is predicted to cause loss of normal protein function through either protein truncation or nonsense-mediated mRNA decay and is considered pathogenic.

Labcorp Genetics (formerly Invitae), Labcorp
Classification: Pathogenic for Hereditary breast ovarian cancer syndrome. Last evaluated: 2016-09-20. Review status: criteria provided, single submitter. Criteria: Invitae Variant Classification Sherloc (09022015). Collection method: clinical testing. Allele origin: germline. Not counted in ClinVar's aggregate classification.
Comment: This sequence change deletes 4 nucleotides and inserts 6 nucleotides in exon 11 of the BRCA2 mRNA (c.3478_3481delAGAGinsTGAGGA). This creates a premature translational stop signal (p.Arg1160*) and is expected to result in an absent or disrupted protein product. While this particular variant has not been reported in the literature, loss-of-function variants in BRCA2 are known to be pathogenic (PMID: 20104584). For these reasons, this variant has been classified as Pathogenic.

Literature cited by the submitters: PubMed 20104584 (cited by Labcorp Genetics (formerly Invitae), Labcorp).

NM_000059.4(BRCA2):c.3478_3481delinsTGAGGA (p.Arg1160_Asp1161delinsTer)

Gene: BRCA2 (BRCA2 DNA repair associated; plus strand). Cytogenetic location: 13q13.1.
Variant type: Indel.
Coding change: c.3478_3481delinsTGAGGA on transcript NM_000059.4 (MANE Select); coding-DNA positions 3478 to 3481, AGAG replaced by TGAGGA.
Protein change: p.Arg1160_Asp1161delinsTer.
Molecular consequence: nonsense.
Genome position (GRCh38, 1-based): chr13:32,337,833-32,337,836, AGAG replaced by TGAGGA. VCF-style: chr13-32337833-AGAG-TGAGGA. GRCh37 (hg19) VCF-style: chr13-32911970-AGAG-TGAGGA.
Other names: c.3478_3481delAGAGinsTGAGGA (NM_000059.3).
Identifiers: ClinVar variation 409476 (VCV000409476.7), dbSNP rs1064792961, ClinGen allele CA16614286.